The following is an entry in ClinVar:

NM_015378.4(VPS13D):c.9392A>C (p.Glu3131Ala)

Gene: VPS13D (vacuolar protein sorting 13 homolog D; plus strand). Cytogenetic location: 1p36.22.
Variant type: single nucleotide variant.
Coding change: c.9392A>C on transcript NM_015378.4 (MANE Select); coding-DNA position 9392, A replaced by C.
Protein change: p.Glu3131Ala; replaces glutamic acid 3131 with alanine.
Molecular consequence: missense variant.
Genome position (GRCh38, 1-based): chr1:12,349,335, A>C. VCF-style: chr1-12349335-A-C. GRCh37 (hg19) VCF-style: chr1-12409392-A-C.
Other names: c.9317A>C, p.Glu3106Ala (NM_018156.4); short protein forms E3106A, E3131A.
Identifiers: ClinVar variation 4084726 (VCV004084726.8).

ClinVar aggregate classification (germline): Uncertain significance (1 of 4 stars; one submission).

gnomAD v4.1: 7 of 1,614,140 alleles (0.00043%); highest among the groups gnomAD compares: Middle Eastern, 0.083%; no homozygotes.

Submission:

CeGaT Center for Human Genetics Tuebingen
Classification: Uncertain significance. Last evaluated: 2025-06-01. Review status: criteria provided, single submitter. Criteria: CeGaT Center For Human Genetics Tuebingen Variant Classification Criteria Version 2. Collection method: clinical testing. Allele origin: germline. Affected: yes. Observed: 1 variant allele.
Comment: VPS13D: PM2